The following is an entry in ClinVar:

ClinVar aggregate classification (germline): Conflicting classifications of pathogenicity. Review status: criteria provided, conflicting classifications (1 of 4 stars). 3 submissions from 3 submitters: Pathogenic (1); Likely pathogenic (1); Uncertain significance (1). Last evaluated 2024-05-15.

Conditions:
Cardioencephalomyopathy, fatal infantile, due to cytochrome c oxidase deficiency 2 (MC4DN6). Also called: MITOCHONDRIAL COMPLEX IV DEFICIENCY, NUCLEAR TYPE 6. Identifiers: Orphanet 1561, MedGen C3554534, MONDO:0014051, OMIM 615119.

Allele frequency attached by ClinVar (database versions not stated): gnomAD 0.00001; TOPMed 0.00001; ExAC 0.00002; gnomAD exomes 0.00002.

Submissions (3):

Labcorp Genetics (formerly Invitae), Labcorp
Classification: Pathogenic. Last evaluated: 2024-05-15. Review status: criteria provided, single submitter. Criteria: Invitae Variant Classification Sherloc (09022015). Collection method: clinical testing. Allele origin: germline.
Comment: This sequence change creates a premature translational stop signal (p.Arg71*) in the COX15 gene. It is expected to result in an absent or disrupted protein product. Loss-of-function variants in COX15 are known to be pathogenic (PMID: 15863660, 21412973). This variant is present in population databases (rs751819645, gnomAD 0.01%). This variant has not been reported in the literature in individuals affected with COX15-related conditions. ClinVar contains an entry for this variant (Variation ID: 1805694). Algorithms developed to predict the effect of sequence changes on RNA splicing suggest that this variant may disrupt the consensus splice site. For these reasons, this variant has been classified as Pathogenic.

Victorian Clinical Genetics Services, Murdoch Childrens Research Institute
Classification: Likely pathogenic for Cardioencephalomyopathy, fatal infantile, due to cytochrome c oxidase deficiency 2. Last evaluated: 2022-09-02. Review status: criteria provided, single submitter. Criteria: ACMG Guidelines, 2015. Collection method: clinical testing. Allele origin: germline. Inheritance: Autosomal recessive inheritance. Affected: yes.
Comment: A heterozygous nonsense variant was identified, NM_004376.5(COX15):c.211C>T in exon 2 of 9 of the COX15gene. (NB: This variant is non-coding in NM_001320976.1). This nonsense variant is predicted to create a change of arginine to a stop at amino acid position 71 of the protein, NP_004367.2(COX15):p.(Arg71*), resulting in the loss of normal protein function through nonsense-mediated decay (NMD). The variant is present in the gnomAD population database at a frequency of 0.0028% (8 heterozygotes, 0 homozygotes). It has not been previously reported in clinical cases. Two other variants predicted to cause NMD have been reported as pathogenic in individuals with this condition (ClinVar, Alfadhel, M., et al. (2011), Invernizzi, F., et al. (2012)). Based on information available at the time of curation, this variant has been classified as LIKELY PATHOGENIC.

Revvity Omics, Revvity
Classification: Uncertain significance for Cardioencephalomyopathy, fatal infantile, due to cytochrome c oxidase deficiency 2. Last evaluated: 2019-05-08. Review status: criteria provided, single submitter. Criteria: ACMG Guidelines, 2015. Collection method: clinical testing. Allele origin: germline.

Literature cited by the submitters: PubMed 15863660 (cited by Labcorp Genetics (formerly Invitae), Labcorp); PubMed 21412973 (cited by Labcorp Genetics (formerly Invitae), Labcorp).

NM_078470.6(COX15):c.211C>T (p.Arg71Ter)

Gene: COX15 (cytochrome c oxidase assembly factor COX15; minus strand). Cytogenetic location: 10q24.2.
Variant type: single nucleotide variant.
Coding change: c.211C>T on transcript NM_078470.6 (MANE Select); coding-DNA position 211, C replaced by T.
Protein change: p.Arg71Ter; replaces arginine 71 with a stop codon.
Molecular consequence: nonsense. On other transcripts: 5 prime UTR variant (1), non-coding transcript variant (1).
Genome position (GRCh38, 1-based): chr10:99,729,614, G>A on the plus strand (C>T on the coding strand, the complement: COX15 is on the minus strand). VCF-style: chr10-99729614-G-A. GRCh37 (hg19) VCF-style: chr10-101489371-G-A.
Other names: c.211C>T, p.Arg71Ter (NM_001320974.2, NM_001320975.2, NM_001372024.1 and 5 more transcripts); c.-244C>T (NM_001320976.2); short protein forms R71*.
Identifiers: ClinVar variation 1805694 (VCV001805694.7), dbSNP rs751819645, ClinGen allele CA5642332.